The following is an entry in ClinVar:

NM_002474.3(MYH11):c.4579-13G>A

Genes: NDE1 (nudE neurodevelopment protein 1; plus strand), MYH11 (myosin heavy chain 11; minus strand). Cytogenetic location: 16p13.11.
Variant type: single nucleotide variant.
Coding change: c.4579-13G>A on transcript NM_002474.3 (MANE Select); 13 bases into the intron before coding-DNA position 4579, G replaced by A.
Molecular consequence: intron variant.
Genome position (GRCh38, 1-based): chr16:15,721,064, C>T on the plus strand (G>A on the coding strand, the complement: MYH11 is on the minus strand). VCF-style: chr16-15721064-C-T. GRCh37 (hg19) VCF-style: chr16-15814921-C-T.
Other names: c.948-3127C>T (NM_001143979.2, NM_017668.3); c.4579-13G>A (NM_022844.3); c.4600-13G>A (NM_001040114.2, NM_001040113.2).
Identifiers: ClinVar variation 138347 (VCV000138347.20), dbSNP rs181115969, ClinGen allele CA292316.

ClinVar aggregate classification (germline): Benign/Likely benign. Review status: criteria provided, multiple submitters, no conflicts (2 of 4 stars). 9 submissions from 8 submitters: Benign (8); Likely benign (1). Last evaluated 2026-01-24.

Conditions:
Familial thoracic aortic aneurysm and aortic dissection (TAAD). Also called: Thoracic aortic aneurysms and dissections. Identifiers: Orphanet 91387, MedGen C4707243, MONDO:0019625.
Lissencephaly 4 (LIS4). Also called: Lissencephaly 4 (with microcephaly). Identifiers: Orphanet 1083, MedGen C3151461, MONDO:0013527, OMIM 614019.
Aortic aneurysm, familial thoracic 4 (AAT4). Also called: AORTIC ANEURYSM/AORTIC DISSECTION AND PATENT DUCTUS ARTERIOSUS. Identifiers: MedGen C1851504, MONDO:0007568, OMIM 132900.

Allele frequency attached by ClinVar (database versions not stated): ESP Exome Variant Server 0.00015; gnomAD 0.00022 and 0.00116; TOPMed 0.00043; gnomAD exomes 0.00154 and 0.00313; ExAC 0.00338; 1000 Genomes Project 30x 0.00874; 1000 Genomes Project 0.00978.
gnomAD v4.1: 2,486 of 1,613,274 alleles (0.15%); highest among the groups gnomAD compares: South Asian, 2.2%; 50 homozygotes.

Submissions (9):

Labcorp Genetics (formerly Invitae), Labcorp
Classification: Benign for Aortic aneurysm, familial thoracic 4. Last evaluated: 2026-01-24. Review status: criteria provided, single submitter. Criteria: Invitae Variant Classification Sherloc (09022015). Collection method: clinical testing. Allele origin: germline.

All of Us Research Program, National Institutes of Health
Classification: Benign for Familial thoracic aortic aneurysm and aortic dissection. Last evaluated: 2024-02-05. Review status: criteria provided, single submitter. Criteria: ACMG Guidelines, 2015. Collection method: clinical testing. Allele origin: germline. Inheritance: Autosomal dominant inheritance. Observed: 109 variant alleles, 109 heterozygotes.
Comment: This study involves interpretation of variants in research participants for the purpose of population health screening. Participant phenotype was not available at the time of variant classification. Additional details can be found in publication PMID: 35346344, PMCID: PMC8962531

ARUP Laboratories, Molecular Genetics and Genomics, ARUP Laboratories
Classification: Benign. Last evaluated: 2023-03-23. Review status: criteria provided, single submitter. Criteria: ARUP Molecular Germline Variant Investigation Process 2024. Collection method: clinical testing. Allele origin: germline.

Women's Health and Genetics/Laboratory Corporation of America, LabCorp
Classification: Benign. Last evaluated: 2020-09-08. Review status: criteria provided, single submitter. Criteria: LabCorp Variant Classification Summary - May 2015. Collection method: clinical testing. Allele origin: germline.
Comment: Variant summary: MYH11 c.4600-13G>A alters a non-conserved nucleotide located close to a canonical splice site and therefore could affect mRNA splicing, leading to a significantly altered protein sequence. 4/4 computational tools predict no significant impact on normal splicing. However, these predictions have yet to be confirmed by functional studies. The variant allele was found at a frequency of 0.0031 in 250660 control chromosomes in the gnomAD database, including 15 homozygotes. The observed variant frequency is approximately 250 fold of the estimated maximal expected allele frequency for a pathogenic variant in MYH11 causing Thoracic Aortic Aneurysms And Dissections phenotype (1.3e-05), strongly suggesting that the variant is benign. To our knowledge, no occurrence of c.4600-13G>A in individuals affected with Thoracic Aortic Aneurysms And Dissections and no experimental evidence demonstrating its impact on protein function have been reported. Five clinical diagnostic laboratories have submitted clinical-significance assessments for this variant to ClinVar after 2014 without evidence for independent evaluation. All laboratories classified the variant as benign/likely benign. Based on the evidence outlined above, the variant was classified as benign.

Color Diagnostics, LLC DBA Color Health
Classification: Benign for Familial thoracic aortic aneurysm and aortic dissection. Last evaluated: 2018-04-02. Review status: criteria provided, single submitter. Criteria: ACMG Guidelines, 2015. Collection method: clinical testing. Allele origin: germline.

Illumina Laboratory Services, Illumina
Classification: Likely benign for Aortic aneurysm, familial thoracic 4. Last evaluated: 2018-01-13. Review status: criteria provided, single submitter. Criteria: ICSL Variant Classification Criteria 13 December 2019. Collection method: clinical testing. Allele origin: germline.
Comment: This variant was observed in the ICSL laboratory as part of a predisposition screen in an ostensibly healthy population. It had not been previously curated by ICSL or reported in the Human Gene Mutation Database (HGMD: prior to June 1st, 2018), and was therefore a candidate for classification through an automated scoring system. Utilizing variant allele frequency, disease prevalence and penetrance estimates, and inheritance mode, an automated score was calculated to assess if this variant is too frequent to cause the disease. Based on the score and internal cut-off values, a variant classified as likely benign is not then subjected to further curation. The score for this variant resulted in a classification of likely benign for this disease.

Illumina Laboratory Services, Illumina
Classification: Benign for Lissencephaly 4. Last evaluated: 2018-01-12. Review status: criteria provided, single submitter. Criteria: ICSL Variant Classification Criteria 13 December 2019. Collection method: clinical testing. Allele origin: germline.
Comment: This variant was observed in the ICSL laboratory as part of a predisposition screen in an ostensibly healthy population. It had not been previously curated by ICSL or reported in the Human Gene Mutation Database (HGMD: prior to June 1st, 2018), and was therefore a candidate for classification through an automated scoring system. Utilizing variant allele frequency, disease prevalence and penetrance estimates, and inheritance mode, an automated score was calculated to assess if this variant is too frequent to cause the disease. Based on the score and internal cut-off values, a variant classified as benign is not then subjected to further curation. The score for this variant resulted in a classification of benign for this disease.

Laboratory for Molecular Medicine, Mass General Brigham Personalized Medicine
Classification: Benign. Last evaluated: 2015-06-04. Review status: criteria provided, single submitter. Criteria: LMM Criteria. Collection method: clinical testing. Allele origin: germline. Observed: 1 variant allele.
Comment: c.4600-13G>A in intron 33 of MYH11: This variant is not expected to have clinica l significance because it has been identified in 2.1% (347/16496) of South Asian chromosomes including 7 homozygotes by the Exome Aggregation Consortium (ExAC; dbSNP rs181115969).

GeneDx
Classification: Benign. Last evaluated: 2013-10-08. Review status: criteria provided, single submitter. Criteria: GeneDx Variant Classification (06012015). Collection method: clinical testing. Allele origin: germline. Affected: yes.
Comment: This variant is considered likely benign or benign based on one or more of the following criteria: it is a conservative change, it occurs at a poorly conserved position in the protein, it is predicted to be benign by multiple in silico algorithms, and/or has population frequency not consistent with disease.